The following is an entry in ClinVar:

ClinVar aggregate classification (germline): Uncertain significance. Review status: criteria provided, single submitter (1 of 4 stars). 2 submissions from 2 submitters: Uncertain significance (1). 1 of the submissions does not count toward it. Last evaluated 2021-09-02.

Conditions:
CEP290-related disorder. Also called: CEP290-related condition; CEP290-related disorders. Identifiers: MedGen CN239314.
Joubert syndrome. Also called: CEREBELLOPARENCHYMAL DISORDER IV; JOUBERT-BOLTSHAUSER SYNDROME; Familial aplasia of the vermis. Identifiers: Orphanet 475, MedGen C5979921, MONDO:0018772.
Nephronophthisis. Also called: Juvenile Nephronophthisis. Identifiers: Orphanet 655, MedGen C0687120, MONDO:0019005, HP:0000090.
Meckel-Gruber syndrome. Also called: DYSENCEPHALIA SPLANCHNOCYSTICA; GRUBER SYNDROME; Dysencephalia splachnocystica. Identifiers: Orphanet 564, MedGen C0265215, MONDO:0018921.

Allele frequency attached by ClinVar (database versions not stated): gnomAD exomes below 0.00001.
gnomAD v4.1: 2 of 1,613,586 alleles (0.00012%); highest among the groups gnomAD compares: Middle Eastern, 0.033%; no homozygotes.

Submissions (2):

Labcorp Genetics (formerly Invitae), Labcorp
Classification: Uncertain significance for Joubert syndrome; Meckel-Gruber syndrome; Nephronophthisis. Last evaluated: 2021-09-02. Review status: criteria provided, single submitter. Criteria: Invitae Variant Classification Sherloc (09022015). Collection method: clinical testing. Allele origin: germline.
Comment: This sequence change replaces glutamic acid with lysine at codon 125 of the CEP290 protein (p.Glu125Lys). The glutamic acid residue is moderately conserved and there is a small physicochemical difference between glutamic acid and lysine. This variant is not present in population databases (ExAC no frequency). This variant has not been reported in the literature in individuals affected with CEP290-related conditions. Algorithms developed to predict the effect of missense changes on protein structure and function are either unavailable or do not agree on the potential impact of this missense change (SIFT: "Deleterious"; PolyPhen-2: "Possibly Damaging"; Align-GVGD: "Class C0"). In summary, the available evidence is currently insufficient to determine the role of this variant in disease. Therefore, it has been classified as a Variant of Uncertain Significance.

PreventionGenetics, part of Exact Sciences
Classification: Uncertain significance for CEP290-related condition. Last evaluated: 2024-08-26. Review status: no assertion criteria provided. Collection method: clinical testing. Allele origin: germline. Not counted in ClinVar's aggregate classification.
Comment: The CEP290 c.373G>A variant is predicted to result in the amino acid substitution p.Glu125Lys. To our knowledge, this variant has not been reported in the literature or in a large population database, indicating this variant is rare. At this time, the clinical significance of this variant is uncertain due to the absence of conclusive functional and genetic evidence.

NM_025114.4(CEP290):c.373G>A (p.Glu125Lys)

Gene: CEP290 (centrosomal protein 290; minus strand). Cytogenetic location: 12q21.32.
Variant type: single nucleotide variant.
Coding change: c.373G>A on transcript NM_025114.4 (MANE Select); coding-DNA position 373, G replaced by A.
Protein change: p.Glu125Lys; replaces glutamic acid 125 with lysine.
Molecular consequence: missense variant.
Genome position (GRCh38, 1-based): chr12:88,136,711, C>T on the plus strand (G>A on the coding strand, the complement: CEP290 is on the minus strand). VCF-style: chr12-88136711-C-T. GRCh37 (hg19) VCF-style: chr12-88530488-C-T.
Other names: c.373G>A (NM_025114.3); short protein forms E125K.
Identifiers: ClinVar variation 2158381 (VCV002158381.2), dbSNP rs2040371663, ClinGen allele CA385987454.